The following is an entry in ClinVar:

ClinVar aggregate classification (germline): Uncertain significance (1 of 4 stars; one submission).

Submission:

Labcorp Genetics (formerly Invitae), Labcorp
Classification: Uncertain significance. Last evaluated: 2022-07-05. Review status: criteria provided, single submitter. Criteria: Invitae Variant Classification Sherloc (09022015). Collection method: clinical testing. Allele origin: germline.
Comment: Algorithms developed to predict the effect of missense changes on protein structure and function are either unavailable or do not agree on the potential impact of this missense change (SIFT: "Deleterious"; PolyPhen-2: "Possibly Damaging"; Align-GVGD: "Class C0"). In summary, the available evidence is currently insufficient to determine the role of this variant in disease. Therefore, it has been classified as a Variant of Uncertain Significance. ClinVar contains an entry for this variant (Variation ID: 1419460). This variant has not been reported in the literature in individuals affected with ARID1B-related conditions. This variant is not present in population databases (gnomAD no frequency). This sequence change replaces isoleucine, which is neutral and non-polar, with leucine, which is neutral and non-polar, at codon 2044 of the ARID1B protein (p.Ile2044Leu).

NM_001374828.1(ARID1B):c.6499A>C (p.Ile2167Leu)

Gene: ARID1B (AT-rich interaction domain 1B; plus strand). Cytogenetic location: 6q25.3.
Variant type: single nucleotide variant.
Coding change: c.6499A>C on transcript NM_001374828.1 (MANE Select); coding-DNA position 6499, A replaced by C.
Protein change: p.Ile2167Leu; replaces isoleucine 2167 with leucine.
Molecular consequence: missense variant.
Genome position (GRCh38, 1-based): chr6:157,207,271, A>C. VCF-style: chr6-157207271-A-C. GRCh37 (hg19) VCF-style: chr6-157528405-A-C.
Other names: c.6340A>C, p.Ile2114Leu (NM_017519.3); c.4000A>C, p.Ile1334Leu (NM_001363725.2); c.6379A>C, p.Ile2127Leu (NM_001371656.1, NM_001374820.1); short protein forms I2114L, I2127L, I1334L, I2167L.
Identifiers: ClinVar variation 1419460 (VCV001419460.6), dbSNP rs2128397340, ClinGen allele CA366248414.